The following is an entry in ClinVar:

ClinVar aggregate classification (germline): Uncertain significance. Review status: criteria provided, multiple submitters, no conflicts (2 of 4 stars). 2 submissions from 2 submitters: Uncertain significance (2). Last evaluated 2022-04-07.

Allele frequency attached by ClinVar (database versions not stated): gnomAD exomes below 0.00001.
gnomAD v4.1: 7 of 1,569,660 alleles (0.00045%); highest among the groups gnomAD compares: Non-Finnish European, 0.00052%; no homozygotes.

Submissions (2):

GeneDx
Classification: Uncertain significance. Last evaluated: 2022-04-07. Review status: criteria provided, single submitter. Criteria: GeneDx Variant Classification Process June 2021. Collection method: clinical testing. Allele origin: germline. Affected: yes.
Comment: Not observed at significant frequency in large population cohorts (gnomAD); In silico analysis supports that this missense variant does not alter protein structure/function; Has not been previously published as pathogenic or benign to our knowledge

Labcorp Genetics (formerly Invitae), Labcorp
Classification: Uncertain significance. Last evaluated: 2021-07-30. Review status: criteria provided, single submitter. Criteria: Invitae Variant Classification Sherloc (09022015). Collection method: clinical testing. Allele origin: germline.
Comment: In summary, the available evidence is currently insufficient to determine the role of this variant in disease. Therefore, it has been classified as a Variant of Uncertain Significance. Algorithms developed to predict the effect of missense changes on protein structure and function are either unavailable or do not agree on the potential impact of this missense change (SIFT: "Deleterious"; PolyPhen-2: "Benign"; Align-GVGD: "Class C0"). This variant has not been reported in the literature in individuals affected with SNRNP200-related conditions. This variant is not present in population databases (ExAC no frequency). This sequence change replaces isoleucine with threonine at codon 1481 of the SNRNP200 protein (p.Ile1481Thr). The isoleucine residue is moderately conserved and there is a moderate physicochemical difference between isoleucine and threonine.

NM_014014.5(SNRNP200):c.4442T>C (p.Ile1481Thr)

Gene: SNRNP200 (small nuclear ribonucleoprotein U5 subunit 200; minus strand). Cytogenetic location: 2q11.2.
Variant type: single nucleotide variant.
Coding change: c.4442T>C on transcript NM_014014.5 (MANE Select); coding-DNA position 4442, T replaced by C.
Protein change: p.Ile1481Thr; replaces isoleucine 1481 with threonine.
Molecular consequence: missense variant.
Genome position (GRCh38, 1-based): chr2:96,283,955, A>G on the plus strand (T>C on the coding strand, the complement: SNRNP200 is on the minus strand). VCF-style: chr2-96283955-A-G. GRCh37 (hg19) VCF-style: chr2-96949693-A-G.
Other names: short protein forms I1481T.
Identifiers: ClinVar variation 1371050 (VCV001371050.7), dbSNP rs1326648143, ClinGen allele CA347665741.